The following is an entry in ClinVar:

ClinVar aggregate classification (germline): Uncertain significance (1 of 4 stars; one submission).

Conditions:
Perry syndrome. Also called: PARKINSONISM WITH ALVEOLAR HYPOVENTILATION AND MENTAL DEPRESSION. Identifiers: Orphanet 178509, MedGen C1868594, MONDO:0008201, OMIM 168605.
Neuronopathy, distal hereditary motor, type 7B. Also called: Distal Hereditary Motor Neuronopathy Type 7B (dHMN7B); NEURONOPATHY, DISTAL HEREDITARY MOTOR, AUTOSOMAL DOMINANT 14; NEURONOPATHY, DISTAL HEREDITARY MOTOR, HARDING TYPE VIIB; NEUROPATHY, DISTAL HEREDITARY MOTOR, HARDING TYPE VIIB; NEUROPATHY, DISTAL HEREDITARY MOTOR, WITH VOCAL CORD PARALYSIS, HARDING TYPE VIIB; HMN VIIB. Identifiers: Orphanet 139589, MedGen C1843315, MONDO:0011879, OMIM 607641.
Amyotrophic lateral sclerosis type 1 (ALS1). Also called: AMYOTROPHIC LATERAL SCLEROSIS 1, FAMILIAL. Identifiers: Orphanet 803, MedGen C1862939, MONDO:0007103, OMIM 105400.

Allele frequency attached by ClinVar (database versions not stated): gnomAD exomes below 0.00001.
gnomAD v4.1: 1 of 1,605,028 alleles (0.000062%); highest among the groups gnomAD compares: Non-Finnish European, 0.000085%; no homozygotes.

Submission:

Labcorp Genetics (formerly Invitae), Labcorp
Classification: Uncertain significance for Amyotrophic lateral sclerosis type 1; Neuronopathy, distal hereditary motor, type 7B; Perry syndrome. Last evaluated: 2020-08-29. Review status: criteria provided, single submitter. Criteria: Invitae Variant Classification Sherloc (09022015). Collection method: clinical testing. Allele origin: germline.
Comment: This sequence change replaces lysine with glutamine at codon 135 of the DCTN1 protein (p.Lys135Gln). The lysine residue is highly conserved and there is a small physicochemical difference between lysine and glutamine. This variant is not present in population databases (ExAC no frequency). This variant has not been reported in the literature in individuals with DCTN1-related conditions. Algorithms developed to predict the effect of missense changes on protein structure and function are either unavailable or do not agree on the potential impact of this missense change (SIFT: "Deleterious"; PolyPhen-2: "Benign"; Align-GVGD: "Class C0"). In summary, the available evidence is currently insufficient to determine the role of this variant in disease. Therefore, it has been classified as a Variant of Uncertain Significance.

NM_004082.5(DCTN1):c.403A>C (p.Lys135Gln)

Gene: DCTN1 (dynactin subunit 1; minus strand). Cytogenetic location: 2p13.1.
Variant type: single nucleotide variant.
Coding change: c.403A>C on transcript NM_004082.5 (MANE Select); coding-DNA position 403, A replaced by C.
Protein change: p.Lys135Gln; replaces lysine 135 with glutamine.
Molecular consequence: missense variant. On other transcripts: intron variant (3).
Genome position (GRCh38, 1-based): chr2:74,376,753, T>G on the plus strand (A>C on the coding strand, the complement: DCTN1 is on the minus strand). VCF-style: chr2-74376753-T-G. GRCh37 (hg19) VCF-style: chr2-74603880-T-G.
Other names: c.352A>C, p.Lys118Gln (NM_001378991.1, NM_001378992.1); c.342+679A>C (NM_001190836.2); c.393+679A>C (NM_001135040.3, NM_001190837.2); short protein forms K118Q, K135Q.
Identifiers: ClinVar variation 1017352 (VCV001017352.9), dbSNP rs1675250026, ClinGen allele CA347320229.
Genomic context (GRCh38, chr2:74,376,753, plus strand): 5'-AGGGGCTCATGGCCCCCATCCACCCAGGCACAAATAGTAAACACACCACCTTCTTAGGCT[T>G]CAGTCCCCGCTGCATGAGGAGTAGGAAAGGGCAGAGTTAGAGAACAGATGTCCTGGGCAT-3'
Protein context (NP_004073.2, residues 125-145): TAKTSKLRGL[Lys135Gln]PKKAPTARKT